The following is an entry in ClinVar:

ClinVar aggregate classification (germline): Uncertain significance (1 of 4 stars; one submission).

Conditions:
Severe combined immunodeficiency, autosomal recessive, T cell-negative, B cell-negative, NK cell-positive. Also called: SCID, AR, T-cell negative, B-cell negative, NK cell-positive; SCID, T CELL-NEGATIVE, B CELL-NEGATIVE, NK CELL-POSITIVE; Severe combined immunodeficiency due to complete RAG1/2 deficiency. Identifiers: Orphanet 331206, MedGen C1832322, MONDO:0011086, OMIM 601457.
Combined immunodeficiency with skin granulomas. Identifiers: Orphanet 157949, MedGen C2673536, MONDO:0009306, OMIM 233650.

Submission:

Labcorp Genetics (formerly Invitae), Labcorp
Classification: Uncertain significance for Combined immunodeficiency with skin granulomas; Severe combined immunodeficiency, autosomal recessive, T cell-negative, B cell-negative, NK cell-positive. Last evaluated: 2023-12-07. Review status: criteria provided, single submitter. Criteria: Invitae Variant Classification Sherloc (09022015). Collection method: clinical testing. Allele origin: germline.
Comment: This sequence change replaces leucine, which is neutral and non-polar, with valine, which is neutral and non-polar, at codon 240 of the RAG2 protein (p.Leu240Val). This variant is not present in population databases (gnomAD no frequency). This variant has not been reported in the literature in individuals affected with RAG2-related conditions. Advanced modeling of protein sequence and biophysical properties (such as structural, functional, and spatial information, amino acid conservation, physicochemical variation, residue mobility, and thermodynamic stability) performed at Invitae indicates that this missense variant is expected to disrupt RAG2 protein function with a positive predictive value of 95%. In summary, the available evidence is currently insufficient to determine the role of this variant in disease. Therefore, it has been classified as a Variant of Uncertain Significance.

NM_000536.4(RAG2):c.718C>G (p.Leu240Val)

Gene: RAG2 (recombination activating 2; minus strand). Cytogenetic location: 11p12.
Variant type: single nucleotide variant.
Coding change: c.718C>G on transcript NM_000536.4 (MANE Select); coding-DNA position 718, C replaced by G.
Protein change: p.Leu240Val; replaces leucine 240 with valine.
Molecular consequence: missense variant.
Genome position (GRCh38, 1-based): chr11:36,593,451, G>C on the plus strand (C>G on the coding strand, the complement: RAG2 is on the minus strand). VCF-style: chr11-36593451-G-C. GRCh37 (hg19) VCF-style: chr11-36615001-G-C.
Other names: c.718C>G, p.Leu240Val (NM_001243785.2, NM_001243786.2); short protein forms L240V.
Identifiers: ClinVar variation 2950373 (VCV002950373.3), dbSNP rs374781438, ClinGen allele CA380142254.